The following is an entry in ClinVar:

ClinVar aggregate classification (germline): Uncertain significance (1 of 4 stars; one submission).

Conditions:
Short stature, impaired intellectual development, microcephaly, hypotonia, and ocular anomalies (SIMHA). Also called: SIMHA syndrome. Identifiers: MedGen C5561998, MONDO:0859198, OMIM 619557.

Allele frequency attached by ClinVar (database versions not stated): ExAC 0.00002; gnomAD 0.00002; gnomAD exomes 0.00002; TOPMed 0.00005; ESP Exome Variant Server 0.00008.
gnomAD v4.1: 35 of 1,613,840 alleles (0.0022%); highest among the groups gnomAD compares: South Asian, 0.0044%; no homozygotes.

Submission:

New York Genome Center
Classification: Uncertain significance for Short stature, impaired intellectual development, microcephaly, hypotonia, and ocular anomalies. Last evaluated: 2022-01-04. Review status: criteria provided, single submitter. Criteria: NYGC Assertion Criteria 2020. Collection method: clinical testing. Allele origin: inherited. Observed: 1 compound heterozygote. Study: CSER-NYCKidSeq.
Comment: The c.3758C>T variant identified in ZNF407 has not previously been reported in the literature or public variant repositories (ClinVar and LOVD). This variant has been observed in seventeen alleles(no homozygotes) with ~0.003% minor allele frequency in population databases (gnomAD v2.1.1 and v3.1.2,TOPMed Freeze 8), suggesting it is not a common benign variant in the populations represented in those databases.The c.3758C>T variant is located in exon 2 of this 9-exon gene, and is predicted to replace the poorly conserved threonine amino acid at position 1253 with methionine. In silico prediction algorithms are not in favor of damaging effectof the variant (CADD v1.6= 0.001, REVEL= 0.01).Based on available evidence this inherited c.3758C>T variant in ZNF407 is classified as a Variant of Uncertain Significance.

NM_017757.3(ZNF407):c.3758C>T (p.Thr1253Met)

Gene: ZNF407 (zinc finger protein 407; plus strand). Cytogenetic location: 18q22.3.
Variant type: single nucleotide variant.
Coding change: c.3758C>T on transcript NM_017757.3 (MANE Select); coding-DNA position 3758, C replaced by T.
Protein change: p.Thr1253Met; replaces threonine 1253 with methionine.
Molecular consequence: missense variant.
Genome position (GRCh38, 1-based): chr18:74,634,777, C>T. VCF-style: chr18-74634777-C-T. GRCh37 (hg19) VCF-style: chr18-72346733-C-T.
Other names: c.3758C>T, p.Thr1253Met (NM_001146189.1, NM_001146190.1, NM_001384475.1); short protein forms T1253M.
Identifiers: ClinVar variation 1701702 (VCV001701702.1), dbSNP rs370298369, ClinGen allele CA9000743.